The following is an entry in ClinVar:

NM_001082486.2(ACD):c.754C>T (p.Pro252Ser)

Gene: ACD (ACD shelterin complex subunit and telomerase recruitment factor; minus strand). Cytogenetic location: 16q22.1.
Variant type: single nucleotide variant.
Coding change: c.754C>T on transcript NM_001082486.2 (MANE Select); coding-DNA position 754, C replaced by T.
Protein change: p.Pro252Ser; replaces proline 252 with serine.
Molecular consequence: missense variant.
Genome position (GRCh38, 1-based): chr16:67,658,630, G>A on the plus strand (C>T on the coding strand, the complement: ACD is on the minus strand). VCF-style: chr16-67658630-G-A. GRCh37 (hg19) VCF-style: chr16-67692533-G-A.
Other names: c.745C>T, p.Pro249Ser (NM_022914.3); short protein forms P252S, P249S.
Identifiers: ClinVar variation 1733906 (VCV001733906.2), dbSNP rs778355633, ClinGen allele CA8114541.

ClinVar aggregate classification (germline): Uncertain significance (1 of 4 stars; one submission).

Conditions:
Inborn genetic diseases. Identifiers: MedGen C0950123, MeSH D030342.

Allele frequency attached by ClinVar (database versions not stated): gnomAD exomes 0.00001; ExAC 0.00002.

Submission:

Ambry Genetics
Classification: Uncertain significance for Inborn genetic diseases. Last evaluated: 2022-07-15. Review status: criteria provided, single submitter. Criteria: Ambry Variant Classification Scheme 2023. Collection method: clinical testing. Allele origin: germline.
Comment: The p.P338S variant (also known as c.1012C>T), located in coding exon 9 of the ACD gene, results from a C to T substitution at nucleotide position 1012. The proline at codon 338 is replaced by serine, an amino acid with similar properties. This amino acid position is conserved. In addition, this alteration is predicted to be tolerated by in silico analysis. Since supporting evidence is limited at this time, the clinical significance of this alteration remains unclear.